The following is an entry in ClinVar:

ClinVar aggregate classification (germline): Uncertain significance (1 of 4 stars; one submission).

Conditions:
Gorlin syndrome. Also called: Basal cell nevus syndrome; Nevoid Basal Cell Carcinoma Syndrome. Identifiers: Orphanet 377, MedGen C0004779, MONDO:0007187.

Submission:

Labcorp Genetics (formerly Invitae), Labcorp
Classification: Uncertain significance for Gorlin syndrome. Last evaluated: 2021-04-12. Review status: criteria provided, single submitter. Criteria: Invitae Variant Classification Sherloc (09022015). Collection method: clinical testing. Allele origin: germline.
Comment: This variant has not been reported in the literature in individuals with PTCH1-related conditions. Advanced modeling of protein sequence and biophysical properties (such as structural, functional, and spatial information, amino acid conservation, physicochemical variation, residue mobility, and thermodynamic stability) performed at Invitae indicates that this missense variant is expected to disrupt PTCH1 protein function. In summary, the available evidence is currently insufficient to determine the role of this variant in disease. Therefore, it has been classified as a Variant of Uncertain Significance. This sequence change replaces tyrosine with serine at codon 922 of the PTCH1 protein (p.Tyr922Ser). The tyrosine residue is highly conserved and there is a large physicochemical difference between tyrosine and serine. This variant is not present in population databases (ExAC no frequency).

NM_000264.5(PTCH1):c.2765A>C (p.Tyr922Ser)

Gene: PTCH1 (patched 1; minus strand). Cytogenetic location: 9q22.32.
Variant type: single nucleotide variant.
Coding change: c.2765A>C on transcript NM_000264.5 (MANE Select); coding-DNA position 2765, A replaced by C.
Protein change: p.Tyr922Ser; replaces tyrosine 922 with serine.
Molecular consequence: missense variant. On other transcripts: non-coding transcript variant (1).
Genome position (GRCh38, 1-based): chr9:95,459,722, T>G on the plus strand (A>C on the coding strand, the complement: PTCH1 is on the minus strand). VCF-style: chr9-95459722-T-G. GRCh37 (hg19) VCF-style: chr9-98222004-T-G.
Other names: c.2567A>C, p.Tyr856Ser (NM_001083602.3); c.2762A>C, p.Tyr921Ser (NM_001083603.3); c.2312A>C, p.Tyr771Ser (NM_001083604.3, NM_001083605.3, NM_001083606.3 and 1 more transcripts); c.2609A>C, p.Tyr870Ser (NM_001354918.2); short protein forms Y771S, Y856S, Y870S, Y921S, Y922S.
Identifiers: ClinVar variation 1525585 (VCV001525585.8), dbSNP rs2136672306, ClinGen allele CA374113127.